The following is an entry in ClinVar:

ClinVar aggregate classification (germline): Uncertain significance (1 of 4 stars; one submission).

Conditions:
Hereditary cancer-predisposing syndrome. Also called: Neoplastic Syndromes, Hereditary; Hereditary Cancer Syndrome; Hereditary neoplastic syndrome; Tumor predisposition. Identifiers: Orphanet 140162, MedGen C0027672, MeSH D009386, MONDO:0015356.

Submission:

Ambry Genetics
Classification: Uncertain significance for Hereditary cancer-predisposing syndrome. Last evaluated: 2026-02-09. Review status: criteria provided, single submitter. Criteria: Ambry Variant Classification Scheme 2023. Collection method: clinical testing. Allele origin: germline.
Comment: The p.P609L variant (also known as c.1826C>T), located in coding exon 14 of the SDHA gene, results from a C to T substitution at nucleotide position 1826. The proline at codon 609 is replaced by leucine, an amino acid with similar properties. This amino acid position is conserved. In addition, this alteration is predicted to be deleterious by in silico analysis. Based on the available evidence, the clinical significance of this variant remains unclear.

NM_004168.4(SDHA):c.1826C>T (p.Pro609Leu)

Gene: SDHA (succinate dehydrogenase complex flavoprotein subunit A; plus strand). Cytogenetic location: 5p15.33.
Variant type: single nucleotide variant.
Coding change: c.1826C>T on transcript NM_004168.4 (MANE Select); coding-DNA position 1826, C replaced by T.
Protein change: p.Pro609Leu; replaces proline 609 with leucine.
Molecular consequence: missense variant.
Genome position (GRCh38, 1-based): chr5:254,424, C>T. VCF-style: chr5-254424-C-T. GRCh37 (hg19) VCF-style: chr5-254539-C-T.
Other names: c.1682C>T, p.Pro561Leu (NM_001294332.2); c.1583C>T, p.Pro528Leu (NM_001330758.2); short protein forms P561L, P528L, P609L.
Identifiers: ClinVar variation 3438663 (VCV003438663.2).